The following is an entry in ClinVar:

ClinVar aggregate classification (germline): Uncertain significance (1 of 4 stars; one submission).

Conditions:
Primary ciliary dyskinesia 5. Also called: CILIARY DYSKINESIA, PRIMARY, 5, WITHOUT SITUS INVERSUS. Identifiers: Orphanet 244, MedGen C1837615, MONDO:0012088, OMIM 608647.

gnomAD v4.1: 27 of 1,310,518 alleles (0.0021%); highest among the groups gnomAD compares: African/African-American, 0.04%; no homozygotes.

Submission:

Johns Hopkins Genomics, Johns Hopkins University
Classification: Uncertain significance for Primary ciliary dyskinesia 5. Last evaluated: 2024-08-05. Review status: criteria provided, single submitter. Criteria: ACMG Guidelines, 2015. Collection method: clinical testing. Allele origin: germline.
Comment: This HYDIN missense variant (rs370085141) is rare (<0.1%) in a large population dataset (gnomAD v4.1.0: 27/1310518 total alleles; 0.002%; no homozygotes). It has not been reported in ClinVar, nor in the literature, to our knowledge. Two bioinformatic tools queried predict that this substitution would be damaging, and the proline residue at this position is evolutionarily conserved across most of the species assessed. We consider the clinical significance of c.12434C>T in HYDIN to be uncertain at this time.

NM_001270974.2(HYDIN):c.12434C>T (p.Pro4145Leu)

Gene: HYDIN (HYDIN axonemal central pair apparatus protein; minus strand). Cytogenetic location: 16q22.2.
Variant type: single nucleotide variant.
Coding change: c.12434C>T on transcript NM_001270974.2 (MANE Select); coding-DNA position 12434, C replaced by T.
Protein change: p.Pro4145Leu; replaces proline 4145 with leucine.
Molecular consequence: missense variant.
Genome position (GRCh38, 1-based): chr16:70,855,137, G>A on the plus strand (C>T on the coding strand, the complement: HYDIN is on the minus strand). VCF-style: chr16-70855137-G-A. GRCh37 (hg19) VCF-style: chr16-70889040-G-A.
Other names: short protein forms P4145L.
Identifiers: ClinVar variation 4280042 (VCV004280042.1).